The following is an entry in ClinVar:

NM_012193.4(FZD4):c.1510_1528del (p.Trp504fs)

Genes: PRSS23 (serine protease 23; plus strand), FZD4 (frizzled class receptor 4; minus strand). Cytogenetic location: 11q14.2.
Variant type: Deletion.
Coding change: c.1510_1528del on transcript NM_012193.4 (MANE Select); coding-DNA positions 1510 to 1528, 19 bases deleted (TGGCAGAAGTGTTCCAACA).
Protein change: p.Trp504fs; shifts the reading frame from tryptophan 504.
Molecular consequence: frameshift variant. On other transcripts: non-coding transcript variant (2).
Genome position (GRCh38, 1-based): chr11:86,951,228-86,951,246, TGTTGGAACACTTCTGCCA deleted on the plus strand (TGGCAGAAGTGTTCCAACA on the coding strand, the reverse complement: FZD4 is on the minus strand). VCF-style (leftmost placement, unchanged base first): chr11-86951227-CTGTTGGAACACTTCTGCCA-C. GRCh37 (hg19) VCF-style: chr11-86662269-CTGTTGGAACACTTCTGCCA-C.
Other names: short protein forms W504fs.
Identifiers: ClinVar variation 1076601 (VCV001076601.9), dbSNP rs2135039721, ClinGen allele CA2499221353.

ClinVar aggregate classification (germline): Pathogenic (1 of 4 stars; one submission).

Submission:

Labcorp Genetics (formerly Invitae), Labcorp
Classification: Pathogenic. Last evaluated: 2025-12-23. Review status: criteria provided, single submitter. Criteria: Invitae Variant Classification Sherloc (09022015). Collection method: clinical testing. Allele origin: germline.
Comment: This sequence change creates a premature translational stop signal (p.Trp504Aspfs*3) in the FZD4 gene. While this is not anticipated to result in nonsense mediated decay, it is expected to disrupt the last 34 amino acid(s) of the FZD4 protein. This variant is not present in population databases (gnomAD no frequency). This variant has not been reported in the literature in individuals affected with FZD4-related conditions. ClinVar contains an entry for this variant (Variation ID: 1076601). This variant disrupts a region of the FZD4 protein in which other variant(s) (p.Gln505*) have been determined to be pathogenic (PMID: 15223780). This suggests that this is a clinically significant region of the protein, and that variants that disrupt it are likely to be disease-causing. For these reasons, this variant has been classified as Pathogenic.

Literature cited by the submitters: PubMed 15223780.